The following is an entry in ClinVar:

ClinVar aggregate classification (germline): Benign/Likely benign. Review status: criteria provided, multiple submitters, no conflicts (2 of 4 stars). 5 submissions from 5 submitters: Benign (1); Likely benign (2). 2 of the submissions do not count toward it. Last evaluated 2025-01-13.

Conditions:
Hereditary cancer-predisposing syndrome. Also called: Tumor predisposition; Neoplastic Syndromes, Hereditary; Hereditary Cancer Syndrome; Hereditary neoplastic syndrome. Identifiers: Orphanet 140162, MedGen C0027672, MeSH D009386, MONDO:0015356.
Familial cancer of breast. Also called: BREAST CANCER, FAMILIAL; Hereditary breast cancer; hereditary breast carcinoma. Identifiers: Orphanet 227535, MedGen C0346153, MONDO:0016419, OMIM 114480. Disease mechanism: loss of function.
Ataxia-telangiectasia syndrome (AT). Also called: Cerebello-oculocutaneous telangiectasia; Immunodeficiency with ataxia telangiectasia; ATAXIA-TELANGIECTASIA, COMPLEMENTATION GROUP A; Ataxia-telangiectasia, complementation group D; AT, COMPLEMENTATION GROUP C; ATAXIA-TELANGIECTASIA, FRESNO VARIANT. Identifiers: Orphanet 100, MedGen C0004135, MONDO:0008840, OMIM 208900.

Allele frequency attached by ClinVar (database versions not stated): gnomAD exomes below 0.00001.
gnomAD v4.1: 1 of 1,613,754 alleles (0.000062%); highest among the groups gnomAD compares: Non-Finnish European, 0.000085%; no homozygotes.

Submissions (5):

Labcorp Genetics (formerly Invitae), Labcorp
Classification: Likely benign for Ataxia-telangiectasia syndrome. Last evaluated: 2025-01-13. Review status: criteria provided, single submitter. Criteria: Invitae Variant Classification Sherloc (09022015). Collection method: clinical testing. Allele origin: germline.

Myriad Genetics, Inc.
Classification: Benign for Familial cancer of breast. Last evaluated: 2024-05-13. Review status: criteria provided, single submitter. Criteria: Myriad Autosomal Dominant, Autosomal Recessive and X-Linked Classification Criteria (2023). Collection method: clinical testing. Allele origin: unknown.
Comment: This variant is considered benign. This variant is a silent/synonymous amino acid change and it is not expected to impact splicing.

Ambry Genetics
Classification: Likely benign for Hereditary cancer-predisposing syndrome. Last evaluated: 2017-04-27. Review status: criteria provided, single submitter. Criteria: Ambry Variant Classification Scheme 2023. Collection method: clinical testing. Allele origin: germline.

Joint Genome Diagnostic Labs from Nijmegen and Maastricht, Radboudumc and MUMC+
Classification: Likely benign. Review status: no assertion criteria provided. Collection method: clinical testing. Allele origin: germline. Affected: yes. Study: VKGL Data-share Consensus. Not counted in ClinVar's aggregate classification.

Laboratory of Diagnostic Genome Analysis, Leiden University Medical Center (LUMC)
Classification: Likely benign. Review status: no assertion criteria provided. Collection method: clinical testing. Allele origin: germline. Affected: yes. Study: VKGL Data-share Consensus. Not counted in ClinVar's aggregate classification.

NM_000051.4(ATM):c.2991A>G (p.Val997=)

Gene: ATM (ATM serine/threonine kinase; plus strand). Cytogenetic location: 11q22.3.
Variant type: single nucleotide variant.
Coding change: c.2991A>G on transcript NM_000051.4 (MANE Select); coding-DNA position 2991, A replaced by G.
Protein change: p.Val997=; no amino-acid change (valine 997 retained).
Molecular consequence: synonymous variant.
Genome position (GRCh38, 1-based): chr11:108,271,320, A>G. VCF-style: chr11-108271320-A-G. GRCh37 (hg19) VCF-style: chr11-108142047-A-G.
Other names: c.2991A>G, p.Val997= (NM_001351834.2).
Identifiers: ClinVar variation 478940 (VCV000478940.14), dbSNP rs1203368496, ClinGen allele CA476674303.